The following is an entry in ClinVar:

NM_005896.4(IDH1):c.739G>A (p.Glu247Lys)

Gene: IDH1 (isocitrate dehydrogenase (NADP(+)) 1; minus strand). Cytogenetic location: 2q34.
Variant type: single nucleotide variant.
Coding change: c.739G>A on transcript NM_005896.4 (MANE Select); coding-DNA position 739, G replaced by A.
Protein change: p.Glu247Lys; replaces glutamic acid 247 with lysine.
Molecular consequence: missense variant.
Genome position (GRCh38, 1-based): chr2:208,242,105, C>T on the plus strand (G>A on the coding strand, the complement: IDH1 is on the minus strand). VCF-style: chr2-208242105-C-T. GRCh37 (hg19) VCF-style: chr2-209106829-C-T.
Other names: c.739G>A, p.Glu247Lys (NM_001282386.1, NM_001282387.1); short protein forms E247K.
Identifiers: ClinVar variation 2453231 (VCV002453231.2), dbSNP rs1293383694, ClinGen allele CA350097877.

ClinVar aggregate classification (germline): Uncertain significance (1 of 4 stars; one submission).

Submission:

Ambry Genetics
Classification: Uncertain significance. Last evaluated: 2023-01-18. Review status: criteria provided, single submitter. Criteria: Ambry Variant Classification Scheme 2023. Collection method: clinical testing. Allele origin: germline.
Comment: The p.E247K variant (also known as c.739G>A), located in coding exon 5 of the IDH1 gene, results from a G to A substitution at nucleotide position 739. The glutamic acid at codon 247 is replaced by lysine, an amino acid with similar properties. This amino acid position is conserved. In addition, this alteration is predicted to be deleterious by in silico analysis. Since supporting evidence is limited at this time, the clinical significance of this alteration remains unclear.